The following is an entry in ClinVar:

NM_000548.5(TSC2):c.4239G>C (p.Glu1413Asp)

Gene: TSC2 (TSC complex subunit 2; plus strand). Cytogenetic location: 16p13.3.
Variant type: single nucleotide variant.
Coding change: c.4239G>C on transcript NM_000548.5 (MANE Select); coding-DNA position 4239, G replaced by C.
Protein change: p.Glu1413Asp; replaces glutamic acid 1413 with aspartic acid.
Molecular consequence: missense variant. On other transcripts: non-coding transcript variant (5).
Genome position (GRCh38, 1-based): chr16:2,084,461, G>C. VCF-style: chr16-2084461-G-C. GRCh37 (hg19) VCF-style: chr16-2134462-G-C.
Other names: c.2697G>C, p.Glu899Asp (NM_001406692.1, NM_001406693.1, NM_001406694.1); c.2694G>C, p.Glu898Asp (NM_001406695.1, NM_001406696.1, NM_001406697.1); c.2436G>C, p.Glu812Asp (NM_001406698.1); c.4110G>C, p.Glu1370Asp (NM_021055.3, NM_001370405.1); c.4038G>C, p.Glu1346Asp (NM_001077183.3); c.4170G>C, p.Glu1390Asp (NM_001114382.3); c.3930G>C, p.Glu1310Asp (NM_001318827.2); c.3894G>C, p.Glu1298Asp (NM_001318829.2); and 26 more; short protein forms E1146D, E1147D, E1169D, E1189D, E1190D, E1193D, E1213D, E1297D.
Identifiers: ClinVar variation 4802883 (VCV004802883.1).
Genomic context (GRCh38, chr16:2,084,461, plus strand): 5'-TCTGCAGGACATCCTCGGGGACCCTGGGGACAAGGCCGACGTGGGCCGGCTGAGCCCTGA[G>C]GTTAAGGCCCGGTCACAGTCAGGGACCCTGGACGGGGAAAGTGCTGCCTGGTCGGCCTCG-3'
Protein context (NP_000539.2, residues 1403-1423): DKADVGRLSP[Glu1413Asp]VKARSQSGTL

ClinVar aggregate classification (germline): Uncertain significance (1 of 4 stars; one submission).

Conditions:
Tuberous sclerosis 2 (TSC2). Identifiers: Orphanet 805, MedGen C1860707, MONDO:0013199, OMIM 613254.

Submission:

Labcorp Genetics (formerly Invitae), Labcorp
Classification: Uncertain significance for Tuberous sclerosis 2. Last evaluated: 2025-06-16. Review status: criteria provided, single submitter. Criteria: Invitae Variant Classification Sherloc (09022015). Collection method: clinical testing. Allele origin: germline.
Comment: This sequence change replaces glutamic acid, which is acidic and polar, with aspartic acid, which is acidic and polar, at codon 1413 of the TSC2 protein (p.Glu1413Asp). This variant is not present in population databases (gnomAD no frequency). This variant has not been reported in the literature in individuals affected with TSC2-related conditions. Invitae Evidence Modeling of protein sequence and biophysical properties (such as structural, functional, and spatial information, amino acid conservation, physicochemical variation, residue mobility, and thermodynamic stability) indicates that this missense variant is not expected to disrupt TSC2 protein function with a negative predictive value of 95%. In summary, the available evidence is currently insufficient to determine the role of this variant in disease. Therefore, it has been classified as a Variant of Uncertain Significance.